The following is an entry in ClinVar:

NM_025136.4(OPA3):c.442G>C (p.Ala148Pro)

Genes: OPA3 (outer mitochondrial membrane lipid metabolism regulator OPA3; minus strand), OPA3-RTN2 (OPA3-RTN2 readthrough; minus strand). Cytogenetic location: 19q13.32.
Variant type: single nucleotide variant.
Coding change: c.442G>C on transcript NM_025136.4 (MANE Select); coding-DNA position 442, G replaced by C.
Protein change: p.Ala148Pro; replaces alanine 148 with proline.
Molecular consequence: missense variant. On other transcripts: intron variant (1).
Genome position (GRCh38, 1-based): chr19:45,553,612, C>G on the plus strand (G>C on the coding strand, the complement: OPA3 is on the minus strand). VCF-style: chr19-45553612-C-G. GRCh37 (hg19) VCF-style: chr19-46056870-C-G.
Other names: c.143-24156G>C (NM_001017989.3); short protein forms A148P.
Identifiers: ClinVar variation 3749614 (VCV003749614.2).

ClinVar aggregate classification (germline): Uncertain significance (1 of 4 stars; one submission).

Conditions:
Optic atrophy 3 (OPA3). Also called: OPTIC ATROPHY 3, AUTOSOMAL DOMINANT; Optic atrophy, cataract, and neurologic disorder; Optic atrophy 3 with cataract. Identifiers: Orphanet 67036, MedGen C1833809, MONDO:0008133, OMIM 165300.
3-Methylglutaconic aciduria type 3 (MGCA3). Also called: OPA3, AUTOSOMAL RECESSIVE; OPTIC ATROPHY 3, AUTOSOMAL RECESSIVE; OPA3-Related 3-Methylglutaconic Aciduria; Costeff Syndrome. Identifiers: Orphanet 67047, MedGen C0574084, MONDO:0009787, OMIM 258501.

Submission:

Labcorp Genetics (formerly Invitae), Labcorp
Classification: Uncertain significance for 3-Methylglutaconic aciduria type 3; Optic atrophy 3. Last evaluated: 2024-02-06. Review status: criteria provided, single submitter. Criteria: Invitae Variant Classification Sherloc (09022015). Collection method: clinical testing. Allele origin: germline.
Comment: This sequence change replaces alanine, which is neutral and non-polar, with proline, which is neutral and non-polar, at codon 148 of the OPA3 protein (p.Ala148Pro). This variant is not present in population databases (gnomAD no frequency). This variant has not been reported in the literature in individuals affected with OPA3-related conditions. An algorithm developed to predict the effect of missense changes on protein structure and function (PolyPhen-2) suggests that this variant is likely to be disruptive. In summary, the available evidence is currently insufficient to determine the role of this variant in disease. Therefore, it has been classified as a Variant of Uncertain Significance.